The following is an entry in ClinVar:

ClinVar aggregate classification (germline): Uncertain significance (1 of 4 stars; one submission).

Conditions:
PCNT-related disorder. Also called: PCNT-related condition.

Submission:

PreventionGenetics, part of Exact Sciences
Classification: Uncertain significance for PCNT-related condition. Last evaluated: 2026-03-11. Review status: criteria provided, single submitter. Criteria: ACMG Guidelines, 2015. Collection method: clinical testing. Allele origin: germline.
Comment: The PCNT c.9234G>T variant is predicted to result in the amino acid substitution p.Lys3078Asn. To our knowledge, this variant has not been reported in the literature or in a large population database (gnomAD), indicating this variant is rare. At this time, the clinical significance of this variant is uncertain due to the absence of conclusive functional and genetic evidence.

NM_006031.6(PCNT):c.9234G>T (p.Lys3078Asn)

Gene: PCNT (pericentrin; plus strand). Cytogenetic location: 21q22.3.
Variant type: single nucleotide variant.
Coding change: c.9234G>T on transcript NM_006031.6 (MANE Select); coding-DNA position 9234, G replaced by T.
Protein change: p.Lys3078Asn; replaces lysine 3078 with asparagine.
Molecular consequence: missense variant.
Genome position (GRCh38, 1-based): chr21:46,438,298, G>T. VCF-style: chr21-46438298-G-T. GRCh37 (hg19) VCF-style: chr21-47858211-G-T.
Other names: c.8643G>T, p.Lys2881Asn (NM_001315529.2); short protein forms K2881N, K3078N.
Identifiers: ClinVar variation 4996400 (VCV004996400.1).